The following is an entry in ClinVar:

ClinVar aggregate classification (germline): Pathogenic (1 of 4 stars; one submission).

Conditions:
Hereditary breast ovarian cancer syndrome. Also called: Hereditary breast and ovarian cancer syndrome; Hereditary breast and/or ovarian cancer syndrome; Hereditary breast and ovarian cancer syndrome (HBOC); Breast and ovarian cancer; BRCA1- and BRCA2-Associated Hereditary Breast and Ovarian Cancer; Hereditary breast and ovarian cancer. Identifiers: Orphanet 145, MedGen C0677776, MeSH D061325, MONDO:0003582. Disease mechanism: loss of function.

Submission:

Labcorp Genetics (formerly Invitae), Labcorp
Classification: Pathogenic for Hereditary breast and ovarian cancer syndrome. Last evaluated: 2018-01-22. Review status: criteria provided, single submitter. Criteria: Invitae Variant Classification Sherloc (09022015). Collection method: clinical testing. Allele origin: germline.
Comment: This variant is an out-of-frame deletion of the genomic region encompassing exons 3 to 6 of the BRCA1 gene. This is expected to create a premature translational stop signal and result in an absent or disrupted protein product. This variant has not been reported in the literature in individuals with BRCA1-related disease. ClinVar contains an entry for this variant (Variation ID: 267623). Loss-of-function variants in BRCA1 are known to be pathogenic (PMID: 20104584). For these reasons, this variant has been classified as Pathogenic.

NC_000017.11:g.(?_43104116)_(43115785_?)del

Gene: BRCA1 (BRCA1 DNA repair associated; minus strand). Cytogenetic location: 17q21.31.
Variant type: Deletion.
Identifiers: ClinVar variation 584025 (VCV000584025.1).